The following is an entry in ClinVar:

ClinVar aggregate classification (germline): Uncertain significance. Review status: criteria provided, multiple submitters, no conflicts (2 of 4 stars). 3 submissions from 3 submitters: Uncertain significance (3). Last evaluated 2025-02-22.

Conditions:
Neurodevelopmental disorder with seizures and nonepileptic hyperkinetic movements. Identifiers: MedGen C5193128, MONDO:0032784, OMIM 618497.

Allele frequency attached by ClinVar (database versions not stated): gnomAD 0.00001; gnomAD exomes 0.00001; TOPMed 0.00002; ExAC 0.00004.
gnomAD v4.1: 11 of 1,611,720 alleles (0.00068%); highest among the groups gnomAD compares: Admixed American, 0.012%; no homozygotes.

Submissions (3):

Ambry Genetics
Classification: Uncertain significance. Last evaluated: 2025-02-22. Review status: criteria provided, single submitter. Criteria: Ambry Variant Classification Scheme 2023. Collection method: clinical testing. Allele origin: germline.

Labcorp Genetics (formerly Invitae), Labcorp
Classification: Uncertain significance. Last evaluated: 2022-04-01. Review status: criteria provided, single submitter. Criteria: Invitae Variant Classification Sherloc (09022015). Collection method: clinical testing. Allele origin: germline.
Comment: This sequence change replaces glutamic acid, which is acidic and polar, with lysine, which is basic and polar, at codon 674 of the CACNA1B protein (p.Glu674Lys). This variant is present in population databases (rs747544100, gnomAD 0.01%). This variant has not been reported in the literature in individuals affected with CACNA1B-related conditions. Advanced modeling of protein sequence and biophysical properties (such as structural, functional, and spatial information, amino acid conservation, physicochemical variation, residue mobility, and thermodynamic stability) performed at Invitae indicates that this missense variant is not expected to disrupt CACNA1B protein function. In summary, the available evidence is currently insufficient to determine the role of this variant in disease. Therefore, it has been classified as a Variant of Uncertain Significance.

Revvity Omics, Revvity
Classification: Uncertain significance for Neurodevelopmental disorder with seizures and nonepileptic hyperkinetic movements. Last evaluated: 2019-08-23. Review status: criteria provided, single submitter. Criteria: ACMG Guidelines, 2015. Collection method: clinical testing. Allele origin: germline.

NM_000718.4(CACNA1B):c.2020G>A (p.Glu674Lys)

Gene: CACNA1B (calcium voltage-gated channel subunit alpha1 B; plus strand). Cytogenetic location: 9q34.3.
Variant type: single nucleotide variant.
Coding change: c.2020G>A on transcript NM_000718.4 (MANE Select); coding-DNA position 2020, G replaced by A.
Protein change: p.Glu674Lys; replaces glutamic acid 674 with lysine.
Molecular consequence: missense variant.
Genome position (GRCh38, 1-based): chr9:138,006,812, G>A. VCF-style: chr9-138006812-G-A. GRCh37 (hg19) VCF-style: chr9-140901264-G-A.
Other names: c.2020G>A, p.Glu674Lys (NM_001243812.2); c.2020G>A (NM_000718.3); short protein forms E674K.
Identifiers: ClinVar variation 2421266 (VCV002421266.8), dbSNP rs747544100, ClinGen allele CA5376352.